The following is an entry in ClinVar:

NM_001110556.2(FLNA):c.3285C>T (p.Ala1095=)

Gene: FLNA (filamin A; minus strand). Cytogenetic location: Xq28.
Variant type: single nucleotide variant.
Coding change: c.3285C>T on transcript NM_001110556.2 (MANE Select); coding-DNA position 3285, C replaced by T.
Protein change: p.Ala1095=; no amino-acid change (alanine 1095 retained).
Molecular consequence: synonymous variant.
Genome position (GRCh38, 1-based): chrX:154,360,510, G>A on the plus strand (C>T on the coding strand, the complement: FLNA is on the minus strand). VCF-style: chrX-154360510-G-A. GRCh37 (hg19) VCF-style: chrX-153588878-G-A.
Other names: c.3285C>T, p.Ala1095= (NM_001456.4); c.3285C>T (NM_001110556.1).
Identifiers: ClinVar variation 195670 (VCV000195670.28), dbSNP rs199530601, ClinGen allele CA242190.

ClinVar aggregate classification (germline): Conflicting classifications of pathogenicity. Review status: criteria provided, conflicting classifications (1 of 4 stars). 6 submissions from 6 submitters: Uncertain significance (1); Benign (1); Likely benign (3). 1 of the submissions does not count toward it. Last evaluated 2026-02-02.

Conditions:
Oto-palato-digital syndrome, type II (OPD2). Also called: FACIOPALATOOSSEOUS SYNDROME; OPD II SYNDROME; Otopalatodigital Syndrome, Type II; Otopalatodigital Syndrome Type 2 (FLNA-OPD2). Identifiers: Orphanet 669, Orphanet 90652, MedGen C1844696, MONDO:0010571, OMIM 304120.
Melnick-Needles syndrome (MNS). Also called: MELNICK-NEEDLES OSTEODYSPLASTY; OSTEODYSPLASTY OF MELNICK AND NEEDLES; Melnick-Needles Syndrome (FLNA-MNS). Identifiers: Orphanet 2484, MedGen C0025237, MONDO:0010650, OMIM 309350.
Frontometaphyseal dysplasia (FMD1). Identifiers: Orphanet 1826, MedGen C0265293, MONDO:0015942.
Heterotopia, periventricular, X-linked dominant (PVNH1). Also called: PERIVENTRICULAR NODULAR HETEROTOPIA 1; X-linked periventricular heterotopia; PERIVENTRICULAR NODULAR HETEROTOPIA 4; HETEROTOPIA, PERIVENTRICULAR, 1. Identifiers: Orphanet 2149, Orphanet 82004, MedGen C1848213, MONDO:0010233, OMIM 300049.
FLNA-related disorder.
Familial thoracic aortic aneurysm and aortic dissection (TAAD). Also called: Thoracic aortic aneurysms and dissections. Identifiers: Orphanet 91387, MedGen C4707243, MONDO:0019625.

Allele frequency attached by ClinVar (database versions not stated): gnomAD exomes 0.00003 and 0.00008; ExAC 0.00011; gnomAD 0.00019; ESP Exome Variant Server 0.00020; TOPMed 0.00031; 1000 Genomes Project 0.00079; 1000 Genomes Project 30x 0.00083.

Submissions (6):

Labcorp Genetics (formerly Invitae), Labcorp
Classification: Benign for Oto-palato-digital syndrome, type II; Heterotopia, periventricular, X-linked dominant; Frontometaphyseal dysplasia; Melnick-Needles syndrome. Last evaluated: 2026-02-02. Review status: criteria provided, single submitter. Criteria: Invitae Variant Classification Sherloc (09022015). Collection method: clinical testing. Allele origin: germline.

GeneDx
Classification: Likely benign. Last evaluated: 2020-08-04. Review status: criteria provided, single submitter. Criteria: GeneDx Variant Classification Process June 2021. Collection method: clinical testing. Allele origin: germline. Affected: yes.
Comment: Has not been previously published as pathogenic or benign to our knowledge

Ambry Genetics
Classification: Likely benign for Familial thoracic aortic aneurysm and aortic dissection. Last evaluated: 2016-10-18. Review status: criteria provided, single submitter. Criteria: Ambry Variant Classification Scheme 2023. Collection method: clinical testing. Allele origin: germline.

Genetic Services Laboratory, University of Chicago
Classification: Likely benign. Last evaluated: 2016-06-03. Review status: criteria provided, single submitter. Criteria: ACMG Guidelines, 2015. Collection method: clinical testing. Allele origin: germline. Affected: no.

Eurofins Ntd Llc (ga)
Classification: Uncertain significance. Last evaluated: 2014-10-31. Review status: criteria provided, single submitter. Criteria: EGL Classification Definitions 2015. Collection method: clinical testing. Allele origin: germline. Observed: 1 variant allele, 1 heterozygote.

PreventionGenetics, part of Exact Sciences
Classification: Likely benign for FLNA-related condition. Last evaluated: 2024-07-11. Review status: no assertion criteria provided. Collection method: clinical testing. Allele origin: germline. Not counted in ClinVar's aggregate classification.
Comment: This variant is classified as likely benign based on ACMG/AMP sequence variant interpretation guidelines (Richards et al. 2015 PMID: 25741868, with internal and published modifications).